The following is an entry in ClinVar:

NM_001008777.3(FBXO47):c.96C>G (p.Gly32=)

Gene: FBXO47 (F-box protein 47; minus strand). Cytogenetic location: 17q12.
Variant type: single nucleotide variant.
Coding change: c.96C>G on transcript NM_001008777.3 (MANE Select); coding-DNA position 96, C replaced by G.
Protein change: p.Gly32=; no amino-acid change (glycine 32 retained).
Molecular consequence: synonymous variant.
Genome position (GRCh38, 1-based): chr17:38,962,930, G>C on the plus strand (C>G on the coding strand, the complement: FBXO47 is on the minus strand). VCF-style: chr17-38962930-G-C. GRCh37 (hg19) VCF-style: chr17-37119183-G-C.
Identifiers: ClinVar variation 4990707 (VCV004990707.1).

ClinVar aggregate classification (germline): Likely benign (1 of 4 stars; one submission).

Conditions:
FBXO47-related disorder. Also called: FBXO47-related condition.

Submission:

PreventionGenetics, part of Exact Sciences
Classification: Likely benign for FBXO47-related condition. Last evaluated: 2024-10-09. Review status: criteria provided, single submitter. Criteria: ACMG Guidelines, 2015. Collection method: clinical testing. Allele origin: germline.
Comment: This variant is classified as likely benign based on ACMG/AMP sequence variant interpretation guidelines (Richards et al. 2015 PMID: 25741868, with internal and published modifications).